The following is an entry in ClinVar:

ClinVar aggregate classification (germline): Uncertain significance. Review status: criteria provided, multiple submitters, no conflicts (2 of 4 stars). 2 submissions from 2 submitters: Uncertain significance (2). Last evaluated 2025-08-21.

Conditions:
Familial cancer of breast. Also called: BREAST CANCER, FAMILIAL; hereditary breast carcinoma; Hereditary breast cancer. Identifiers: Orphanet 227535, MedGen C0346153, MONDO:0016419, OMIM 114480. Disease mechanism: loss of function.
Fanconi anemia complementation group J. Also called: BRIP1-Related Fanconi Anemia. Identifiers: Orphanet 84, MedGen C1836860, MONDO:0012187, OMIM 609054.
Hereditary cancer-predisposing syndrome. Also called: Hereditary neoplastic syndrome; Neoplastic Syndromes, Hereditary; Hereditary Cancer Syndrome; Tumor predisposition. Identifiers: Orphanet 140162, MedGen C0027672, MeSH D009386, MONDO:0015356.

Submissions (2):

Ambry Genetics
Classification: Uncertain significance for Hereditary cancer-predisposing syndrome. Last evaluated: 2025-08-21. Review status: criteria provided, single submitter. Criteria: Ambry Variant Classification Scheme 2023. Collection method: clinical testing. Allele origin: germline.
Comment: The c.929_931delGCT variant (also known as p.C310del) is located in coding exon 7 of the BRIP1 gene. This variant results from an in-frame GCT deletion at nucleotide positions 929 to 931. This results in the in-frame deletion of a cysteine at codon 310. This amino acid position is highly conserved in available vertebrate species. In addition, this alteration is predicted to be deleterious by in silico analysis (Choi Y et al. PLoS ONE. 2012; 7(10):e46688). Based on the available evidence, the clinical significance of this variant remains unclear.

Labcorp Genetics (formerly Invitae), Labcorp
Classification: Uncertain significance for Familial cancer of breast; Fanconi anemia complementation group J. Last evaluated: 2023-01-14. Review status: criteria provided, single submitter. Criteria: Invitae Variant Classification Sherloc (09022015). Collection method: clinical testing. Allele origin: germline.
Comment: In summary, the available evidence is currently insufficient to determine the role of this variant in disease. Therefore, it has been classified as a Variant of Uncertain Significance. Experimental studies and prediction algorithms are not available or were not evaluated, and the functional significance of this variant is currently unknown. ClinVar contains an entry for this variant (Variation ID: 1388085). This variant has not been reported in the literature in individuals affected with BRIP1-related conditions. This variant is not present in population databases (gnomAD no frequency). This variant, c.929_931del, results in the deletion of 1 amino acid(s) of the BRIP1 protein (p.Cys310del), but otherwise preserves the integrity of the reading frame.

NM_032043.3(BRIP1):c.929_931del (p.Cys310del)

Gene: BRIP1 (BRCA1 interacting DNA helicase 1; minus strand). Cytogenetic location: 17q23.2.
Variant type: Deletion.
Coding change: c.929_931del on transcript NM_032043.3 (MANE Select); coding-DNA positions 929 to 931, 3 bases deleted (GCT; older notation c.929_931delGCT).
Protein change: p.Cys310del; deletes cysteine 310.
Molecular consequence: inframe deletion.
Genome position (GRCh38, 1-based): chr17:61,801,462-61,801,464, AGC deleted on the plus strand (GCT on the coding strand, the reverse complement: BRIP1 is on the minus strand); deleting any 3 consecutive bases within chr17:61,801,462-61,801,466 gives the same sequence; the c. name uses the placement nearest the transcript's 3' end. VCF-style (leftmost placement, unchanged base first): chr17-61801461-TAGC-T. GRCh37 (hg19) VCF-style: chr17-59878822-TAGC-T.
Other names: short protein forms C310del.
Identifiers: ClinVar variation 1388085 (VCV001388085.10), dbSNP rs2145342477, ClinGen allele CA2573154353.